The following is an entry in ClinVar:

NM_001621.5(AHR):c.2389G>T (p.Ala797Ser)

Gene: AHR (aryl hydrocarbon receptor; plus strand). Cytogenetic location: 7p21.1.
Variant type: single nucleotide variant.
Coding change: c.2389G>T on transcript NM_001621.5 (MANE Select); coding-DNA position 2389, G replaced by T.
Protein change: p.Ala797Ser; replaces alanine 797 with serine.
Molecular consequence: missense variant.
Genome position (GRCh38, 1-based): chr7:17,340,214, G>T. VCF-style: chr7-17340214-G-T. GRCh37 (hg19) VCF-style: chr7-17379838-G-T.
Other names: short protein forms A797S.
Identifiers: ClinVar variation 1060981 (VCV001060981.9), dbSNP rs1166887166, ClinGen allele CA366897016.

ClinVar aggregate classification (germline): Uncertain significance (1 of 4 stars; one submission).

Allele frequency attached by ClinVar (database versions not stated): TOPMed below 0.00001; gnomAD 0.00001.

Submission:

Labcorp Genetics (formerly Invitae), Labcorp
Classification: Uncertain significance. Last evaluated: 2025-04-28. Review status: criteria provided, single submitter. Criteria: Invitae Variant Classification Sherloc (09022015). Collection method: clinical testing. Allele origin: germline.
Comment: This sequence change replaces alanine, which is neutral and non-polar, with serine, which is neutral and polar, at codon 797 of the AHR protein (p.Ala797Ser). This variant is not present in population databases (gnomAD no frequency). This variant has not been reported in the literature in individuals affected with AHR-related conditions. ClinVar contains an entry for this variant (Variation ID: 1060981). An algorithm developed to predict the effect of missense changes on protein structure and function (PolyPhen-2) suggests that this variant is likely to be tolerated. In summary, the available evidence is currently insufficient to determine the role of this variant in disease. Therefore, it has been classified as a Variant of Uncertain Significance.